The following is an entry in ClinVar:

NM_014846.4(WASHC5):c.2576G>A (p.Arg859His)

Genes: WASHC5 (WASH complex subunit 5; minus strand), WASHC5-AS1 (WASHC5 antisense RNA 1; plus strand). Cytogenetic location: 8q24.13.
Variant type: single nucleotide variant.
Coding change: c.2576G>A on transcript NM_014846.4 (MANE Select); coding-DNA position 2576, G replaced by A.
Protein change: p.Arg859His; replaces arginine 859 with histidine.
Molecular consequence: missense variant. On other transcripts: non-coding transcript variant (1).
Genome position (GRCh38, 1-based): chr8:125,044,627, C>T on the plus strand (G>A on the coding strand, the complement: WASHC5 is on the minus strand). VCF-style: chr8-125044627-C-T. GRCh37 (hg19) VCF-style: chr8-126056869-C-T.
Other names: p.Arg859His; c.2132G>A, p.Arg711His (NM_001330609.2); short protein forms R711H, R859H.
Identifiers: ClinVar variation 1678211 (VCV001678211.3), dbSNP rs142078144, ClinGen allele CA4873487.

ClinVar aggregate classification (germline): Uncertain significance. Review status: criteria provided, multiple submitters, no conflicts (2 of 4 stars). 3 submissions from 3 submitters: Uncertain significance (3). Last evaluated 2024-05-08.

Allele frequency attached by ClinVar (database versions not stated): gnomAD exomes 0.00002; ExAC 0.00003; gnomAD 0.00004; TOPMed 0.00007; ESP Exome Variant Server 0.00023.
gnomAD v4.1: 15 of 1,614,000 alleles (0.00093%); highest among the groups gnomAD compares: African/African-American, 0.008%; no homozygotes.

Submissions (3):

Women's Health and Genetics/Laboratory Corporation of America, LabCorp
Classification: Uncertain significance. Last evaluated: 2024-05-08. Review status: criteria provided, single submitter. Criteria: LabCorp Variant Classification Summary - May 2015. Collection method: clinical testing. Allele origin: germline.
Comment: Variant summary: KIAA0196 c.2576G>A (p.Arg859His) results in a non-conservative amino acid change in the encoded protein sequence. Three of five in-silico tools predict a benign effect of the variant on protein function. The variant was absent in 282766 control chromosomes. The available data on variant occurrences in the general population are insufficient to allow any conclusion about variant significance. To our knowledge, no occurrence of c.2576G>A in individuals affected with Ritscher-Schinzel Syndrome 1 and no experimental evidence demonstrating its impact on protein function have been reported. ClinVar contains an entry for this variant (Variation ID: 1678211). Based on the evidence outlined above, the variant was classified as uncertain significance.

Mayo Clinic Laboratories, Mayo Clinic
Classification: Uncertain significance. Last evaluated: 2024-03-07. Review status: criteria provided, single submitter. Criteria: ACMG Guidelines, 2015. Collection method: clinical testing. Allele origin: germline. Observed: 1 variant allele.

AiLife Diagnostics
Classification: Uncertain significance. Last evaluated: 2020-05-14. Review status: criteria provided, single submitter. Criteria: ACMG Guidelines, 2015. Collection method: clinical testing. Allele origin: germline. Affected: yes. Observed: 1 variant allele.